The following is an entry in ClinVar:

ClinVar aggregate classification (germline): Uncertain significance (1 of 4 stars; one submission).

Submission:

GeneDx
Classification: Uncertain significance. Last evaluated: 2022-06-07. Review status: criteria provided, single submitter. Criteria: GeneDx Variant Classification Process June 2021. Collection method: clinical testing. Allele origin: germline. Affected: yes.
Comment: Not observed at significant frequency in large population cohorts (gnomAD); In silico analysis supports that this missense variant has a deleterious effect on protein structure/function; Has not been previously published as pathogenic or benign to our knowledge

NM_001365902.3(NFIX):c.166G>T (p.Val56Leu)

Gene: NFIX (nuclear factor I X; plus strand). Cytogenetic location: 19p13.13.
Variant type: single nucleotide variant.
Coding change: c.166G>T on transcript NM_001365902.3 (MANE Select); coding-DNA position 166, G replaced by T.
Protein change: p.Val56Leu; replaces valine 56 with leucine.
Molecular consequence: missense variant.
Genome position (GRCh38, 1-based): chr19:13,025,159, G>T. VCF-style: chr19-13025159-G-T. GRCh37 (hg19) VCF-style: chr19-13135973-G-T.
Other names: c.190G>T, p.Val64Leu (NM_001271043.2); c.142G>T, p.Val48Leu (NM_001271044.3, NM_001378404.1); c.166G>T, p.Val56Leu (NM_001365982.2, NM_002501.4); c.25G>T, p.Val9Leu (NM_001365983.2); c.163G>T, p.Val55Leu (NM_001365984.2, NM_001365985.2); c.214G>T, p.Val72Leu (NM_001378405.1); short protein forms V48L, V55L, V56L, V64L, V72L, V9L.
Identifiers: ClinVar variation 1803372 (VCV001803372.1), dbSNP rs1227553375, ClinGen allele CA404313536.